The following is an entry in ClinVar:

ClinVar aggregate classification (germline): Uncertain significance (1 of 4 stars; one submission).

Submission:

Labcorp Genetics (formerly Invitae), Labcorp
Classification: Uncertain significance. Last evaluated: 2025-04-27. Review status: criteria provided, single submitter. Criteria: Invitae Variant Classification Sherloc (09022015). Collection method: clinical testing. Allele origin: germline.
Comment: This sequence change creates a premature translational stop signal (p.Thr853Asnfs*39) in the NEFH gene. While this is not anticipated to result in nonsense mediated decay, it is expected to disrupt the last 168 amino acid(s) of the NEFH protein. This variant is not present in population databases (gnomAD no frequency). This variant has not been reported in the literature in individuals affected with NEFH-related conditions. ClinVar contains an entry for this variant (Variation ID: 1387353). Experimental studies and prediction algorithms are not available or were not evaluated, and the functional significance of this variant is currently unknown. In summary, the available evidence is currently insufficient to determine the role of this variant in disease. Therefore, it has been classified as a Variant of Uncertain Significance.

NM_021076.4(NEFH):c.2557dup (p.Thr853fs)

Gene: NEFH (neurofilament heavy chain; plus strand). Cytogenetic location: 22q12.2.
Variant type: Duplication.
Coding change: c.2557dup on transcript NM_021076.4 (MANE Select); coding-DNA position 2557, one base duplicated (A; older notation c.2557dupA).
Protein change: p.Thr853fs; shifts the reading frame from threonine 853.
Molecular consequence: frameshift variant.
Genome position (GRCh38, 1-based): chr22:29,490,197, A duplicated; the last of 5 consecutive A bases (chr22:29,490,193-29,490,197); duplicating any one gives the same sequence. VCF-style (leftmost placement, unchanged base first): chr22-29490192-C-CA. GRCh37 (hg19) VCF-style: chr22-29886181-C-CA.
Other names: short protein forms T853fs.
Identifiers: ClinVar variation 1387353 (VCV001387353.6), dbSNP rs2063072529, ClinGen allele CA2573158072.